The following is an entry in ClinVar:

ClinVar aggregate classification (germline): Uncertain significance (1 of 4 stars; one submission).

Conditions:
Polycystic kidney disease, adult type (PKD1). Also called: POLYCYSTIC KIDNEY DISEASE, ADULT, TYPE I; Polycystic Kidney Disease 1, Autosomal Dominant; Polycystic kidney disease 1; Polycystic kidney disease 1, severe; Polycystic Kidney, Autosomal Dominant; POLYCYSTIC KIDNEY DISEASE 1 WITH OR WITHOUT POLYCYSTIC LIVER DISEASE. Identifiers: MedGen C3149841, MONDO:0008263, OMIM 173900.

Submission:

Juno Genomics, Hangzhou Juno Genomics, Inc
Classification: Uncertain significance for Polycystic kidney disease, adult type. Review status: criteria provided, single submitter. Criteria: ACMG Guidelines, 2015. Collection method: clinical testing. Allele origin: germline. Affected: yes.
Comment: Absent from controls (or at extremely low frequency if recessive) in Genome Aggregation Database, Exome Sequencing Project, 1000 Genomes Project, or Exome Aggregation Consortium.;Multiple lines of computational evidence support a deleterious effect on the gene or gene product (conservation, evolutionary, splicing impact, etc).;The prevalence of the variant in affected individuals is significantly increased compared to the prevalence in controls.;Patient's phenotype or family history is highly specific for a disease with a single genetic etiology.

NM_001009944.3(PKD1):c.7625G>T (p.Gly2542Val)

Gene: PKD1 (polycystin 1, transient receptor potential channel interacting; minus strand). Cytogenetic location: 16p13.3.
Variant type: single nucleotide variant.
Coding change: c.7625G>T on transcript NM_001009944.3 (MANE Select); coding-DNA position 7625, G replaced by T.
Protein change: p.Gly2542Val; replaces glycine 2542 with valine.
Molecular consequence: missense variant.
Genome position (GRCh38, 1-based): chr16:2,106,169, C>A on the plus strand (G>T on the coding strand, the complement: PKD1 is on the minus strand). VCF-style: chr16-2106169-C-A. GRCh37 (hg19) VCF-style: chr16-2156170-C-A.
Other names: c.7625G>T, p.Gly2542Val (NM_000296.4); short protein forms G2542V.
Identifiers: ClinVar variation 3381998 (VCV003381998.2).